The following is an entry in ClinVar:

NM_001199107.2(TBC1D24):c.910C>T (p.Gln304Ter)

Gene: TBC1D24 (TBC1 domain family member 24; plus strand). Cytogenetic location: 16p13.3.
Variant type: single nucleotide variant.
Coding change: c.910C>T on transcript NM_001199107.2 (MANE Select); coding-DNA position 910, C replaced by T.
Protein change: p.Gln304Ter; replaces glutamine 304 with a stop codon.
Molecular consequence: nonsense.
Genome position (GRCh38, 1-based): chr16:2,497,058, C>T. VCF-style: chr16-2497058-C-T. GRCh37 (hg19) VCF-style: chr16-2547059-C-T.
Other names: c.910C>T, p.Gln304Ter (NM_020705.3); short protein forms Q304*.
Identifiers: ClinVar variation 3257619 (VCV003257619.17).
Genomic context (GRCh38, chr16:2,497,058, plus strand): 5'-AAGCTGCTGGAGAAAGCGTTCGCCATCCGCCTCTTCTCCCGCAAGGAGATCCAGCTCCTG[C>T]AGATGGCCAATGAGAAAGCCCTGAAGCAGAAGGGCATCACCGTGAAGCAGAAGAGGTAGG-3'

ClinVar aggregate classification (germline): Pathogenic (1 of 4 stars; one submission).

Submission:

CeGaT Center for Human Genetics Tuebingen
Classification: Pathogenic. Last evaluated: 2024-11-01. Review status: criteria provided, single submitter. Criteria: CeGaT Center For Human Genetics Tuebingen Variant Classification Criteria Version 2. Collection method: clinical testing. Allele origin: germline. Affected: yes. Observed: 3 variant alleles.
Comment: TBC1D24: PVS1, PM2